The following is an entry in ClinVar:

ClinVar aggregate classification (germline): Uncertain significance (1 of 4 stars; one submission).

Conditions:
Intellectual developmental disorder, autosomal dominant 45. Also called: Intellectual disability, autosomal dominant 45; MENTAL RETARDATION, AUTOSOMAL DOMINANT 45. Identifiers: MedGen C4539848, MONDO:0030910, OMIM 617600.

Allele frequency attached by ClinVar (database versions not stated): gnomAD 0.00002; gnomAD exomes 0.00002; TOPMed 0.00003.
gnomAD v4.1: 8 of 398,552 alleles (0.002%); highest among the groups gnomAD compares: Non-Finnish European, 0.0035%; no homozygotes.

Submission:

New York Genome Center
Classification: Uncertain significance for Intellectual developmental disorder, autosomal dominant 45. Last evaluated: 2020-06-12. Review status: criteria provided, single submitter. Criteria: NYGC Assertion Criteria 2020. Collection method: clinical testing. Allele origin: inherited. Observed: 1 heterozygote. Study: CSER-NYCKidSeq.
Comment: The inherited c.425G>A (p.Arg142Gln) variant identified in the CIC gene substitutes a moderately conserved Arginine for Glutamine at amino acid 142/2518 (coding exon 2/21), however several mammalian species including Baboon contain a Glutamine at this amino acid position. This variant is found with low frequency in gnomAD(v3.0) (3 heterozygotes, 0 homozygotes; allele frequency: 2.09e-5) suggesting it is not a common benign variantin the populations represented in that database. In silico algorithms do not agree on the effectof this variant, as it is predicted both Neutral (SIFT; score:0.00) and Damaging (FATHMM; score:-4.9) to the function of the canonical transcript. This variantis absent from ClinVar and to our current knowledge has not been reported in affected individuals in the literature. The p.Arg142 reside is not within a mapped domain of CIC (UniProtKB:Q96RK0). Given the lack of compelling evidence for its pathogenicity, the inherited c.425G>A (p.Arg142Gln) variant identified in the CIC gene reported here as aVariant of Uncertain Significance.

NM_001386298.1(CIC):c.425G>A (p.Arg142Gln)

Gene: CIC (capicua transcriptional repressor; plus strand). Cytogenetic location: 19q13.2.
Variant type: single nucleotide variant.
Coding change: c.425G>A on transcript NM_001386298.1 (MANE Select); coding-DNA position 425, G replaced by A.
Protein change: p.Arg142Gln; replaces arginine 142 with glutamine.
Molecular consequence: missense variant.
Genome position (GRCh38, 1-based): chr19:42,272,208, G>A. VCF-style: chr19-42272208-G-A. GRCh37 (hg19) VCF-style: chr19-42776360-G-A.
Other names: c.425G>A, p.Arg142Gln (NM_001304815.2, NM_001379480.1, NM_001379482.1); short protein forms R142Q.
Identifiers: ClinVar variation 1184286 (VCV001184286.1), dbSNP rs1201027582, ClinGen allele CA406081834.
Genomic context (GRCh38, chr19:42,272,208, plus strand): 5'-ATGTGGAGGAGCACGGAGCTGGCAGCAGTGGGGTGGCTGGGGCCCCTGAAGAGCGGGTGC[G>A]GACCCCTGAGGAGGCCAGTGGCCTGGGGGTGCCTCCACGGCCACCCACCTCCACTCGTTC-3'
Protein context (NP_001373227.1, residues 132-152): GVAGAPEERV[Arg142Gln]TPEEASGLGV